The following is an entry in ClinVar:

NM_012281.3(KCND2):c.1750_1751del (p.Cys583_Val584insTer)

Gene: KCND2 (potassium voltage-gated channel subfamily D member 2; plus strand). Cytogenetic location: 7q31.31.
Variant type: Microsatellite.
Coding change: c.1750_1751del on transcript NM_012281.3 (MANE Select); coding-DNA positions 1750 to 1751, 2 bases deleted (GT; older notation c.1750_1751delGT).
Protein change: p.Cys583_Val584insTer.
Molecular consequence: nonsense.
Genome position (GRCh38, 1-based): chr7:120,747,715-120,747,716, GT deleted; deleting any 2 consecutive bases within chr7:120,747,711-120,747,716 gives the same sequence; the c. name uses the placement nearest the transcript's 3' end. VCF-style (leftmost placement, unchanged base first): chr7-120747710-AGT-A. GRCh37 (hg19) VCF-style: chr7-120387764-AGT-A.
Identifiers: ClinVar variation 5008341 (VCV005008341.1).
Genomic context (GRCh38, chr7:120,747,710, plus strand): 5'-TTACTTTCCTAAATATTTTTTTTTCTATCAGCCGATCCAGTTTAAATGCCAAAATGGAAG[AGT>A]GTGTTAAACTAAACTGTGAACAACCTTATGTGACTACAGCAATAATAAGCATCCCAACAC-3'

ClinVar aggregate classification (germline): Uncertain significance (1 of 4 stars; one submission).

Submission:

GeneDx
Classification: Uncertain significance. Last evaluated: 2026-03-03. Review status: criteria provided, single submitter. Criteria: GeneDx Variant Classification Process June 2021. Collection method: clinical testing. Allele origin: germline.
Comment: Nonsense variant predicted to result in protein truncation as the last 47 amino acid(s) are lost; Has not been previously published as pathogenic or benign to our knowledge